The following is an entry in ClinVar:

ClinVar aggregate classification (germline): Uncertain significance (1 of 4 stars; one submission).

Submission:

Labcorp Genetics (formerly Invitae), Labcorp
Classification: Uncertain significance. Last evaluated: 2023-12-15. Review status: criteria provided, single submitter. Criteria: Invitae Variant Classification Sherloc (09022015). Collection method: clinical testing. Allele origin: germline.
Comment: This sequence change replaces aspartic acid, which is acidic and polar, with asparagine, which is neutral and polar, at codon 467 of the ITGAM protein (p.Asp467Asn). This variant is not present in population databases (gnomAD no frequency). This variant has not been reported in the literature in individuals affected with ITGAM-related conditions. Algorithms developed to predict the effect of missense changes on protein structure and function output the following: SIFT: "Not Available"; PolyPhen-2: "Benign"; Align-GVGD: "Not Available". The asparagine amino acid residue is found in multiple mammalian species, which suggests that this missense change does not adversely affect protein function. In summary, the available evidence is currently insufficient to determine the role of this variant in disease. Therefore, it has been classified as a Variant of Uncertain Significance.

NM_000632.4(ITGAM):c.1399G>A (p.Asp467Asn)

Gene: ITGAM (integrin subunit alpha M; plus strand). Cytogenetic location: 16p11.2.
Variant type: single nucleotide variant.
Coding change: c.1399G>A on transcript NM_000632.4 (MANE Select); coding-DNA position 1399, G replaced by A.
Protein change: p.Asp467Asn; replaces aspartic acid 467 with asparagine.
Molecular consequence: missense variant.
Genome position (GRCh38, 1-based): chr16:31,297,556, G>A. VCF-style: chr16-31297556-G-A. GRCh37 (hg19) VCF-style: chr16-31308877-G-A.
Other names: c.1399G>A, p.Asp467Asn (NM_001145808.2); short protein forms D467N.
Identifiers: ClinVar variation 2703373 (VCV002703373.3), dbSNP rs961700251, ClinGen allele CA280601890.